The following is an entry in ClinVar:

ClinVar aggregate classification (germline): Pathogenic. Review status: criteria provided, multiple submitters, no conflicts (2 of 4 stars). 2 submissions from 2 submitters: Pathogenic (2). Last evaluated 2025-04-18.

Conditions:
Febrile seizures, familial, 4 (FEB4). Also called: CONVULSIONS, FAMILIAL FEBRILE, 4. Identifiers: MedGen C1858493, MONDO:0011443, OMIM 604352.

Submissions (2):

3billion
Classification: Pathogenic for Febrile seizures, familial, 4. Last evaluated: 2025-04-18. Review status: criteria provided, single submitter. Criteria: ACMG Guidelines, 2015. Collection method: clinical testing. Allele origin: germline. Affected: yes.

Labcorp Genetics (formerly Invitae), Labcorp
Classification: Pathogenic. Last evaluated: 2024-02-17. Review status: criteria provided, single submitter. Criteria: Invitae Variant Classification Sherloc (09022015). Collection method: clinical testing. Allele origin: germline.
Comment: This sequence change creates a premature translational stop signal (p.Asn957Lysfs*23) in the ADGRV1 gene. It is expected to result in an absent or disrupted protein product. Loss-of-function variants in ADGRV1 are known to be pathogenic (PMID: 19357117, 22135276, 22147658, 26226137, 30718709, 31047384, 32467589). This variant is not present in population databases (gnomAD no frequency). This variant has not been reported in the literature in individuals affected with ADGRV1-related conditions. For these reasons, this variant has been classified as Pathogenic.

Literature cited by the submitters: PubMed 19357117 (cited by Labcorp Genetics (formerly Invitae), Labcorp); PubMed 22135276 (cited by Labcorp Genetics (formerly Invitae), Labcorp); PubMed 22147658 (cited by Labcorp Genetics (formerly Invitae), Labcorp); PubMed 26226137 (cited by Labcorp Genetics (formerly Invitae), Labcorp); PubMed 30718709 (cited by Labcorp Genetics (formerly Invitae), Labcorp); PubMed 31047384 (cited by Labcorp Genetics (formerly Invitae), Labcorp); PubMed 32467589 (cited by Labcorp Genetics (formerly Invitae), Labcorp).

NM_032119.4(ADGRV1):c.2871del (p.Asn957fs)

Gene: ADGRV1 (adhesion G protein-coupled receptor V1; plus strand). Cytogenetic location: 5q14.3.
Variant type: Deletion.
Coding change: c.2871del on transcript NM_032119.4 (MANE Select); coding-DNA position 2871, one base deleted (T; older notation c.2871delT).
Protein change: p.Asn957fs; shifts the reading frame from asparagine 957.
Molecular consequence: frameshift variant. On other transcripts: non-coding transcript variant (1).
Genome position (GRCh38, 1-based): chr5:90,644,842, T deleted. VCF-style (leftmost placement, unchanged base first): chr5-90644841-AT-A. GRCh37 (hg19) VCF-style: chr5-89940658-AT-A.
Other names: short protein forms N957fs.
Identifiers: ClinVar variation 3641492 (VCV003641492.3).